The following is an entry in ClinVar:

ClinVar aggregate classification (germline): Uncertain significance (1 of 4 stars; one submission).

gnomAD v4.1: 51 of 1,473,898 alleles (0.0035%); highest among the groups gnomAD compares: Non-Finnish European, 0.0044%; no homozygotes.

Submission:

Labcorp Genetics (formerly Invitae), Labcorp
Classification: Uncertain significance. Last evaluated: 2022-06-12. Review status: criteria provided, single submitter. Criteria: Invitae Variant Classification Sherloc (09022015). Collection method: clinical testing. Allele origin: germline.
Comment: This sequence change affects the initiator methionine of the PPCS mRNA. The next in-frame methionine is located at codon 4. This variant is not present in population databases (gnomAD no frequency). This variant has not been reported in the literature in individuals affected with PPCS-related conditions. Experimental studies and prediction algorithms are not available or were not evaluated, and the functional significance of this variant is currently unknown. In summary, the available evidence is currently insufficient to determine the role of this variant in disease. Therefore, it has been classified as a Variant of Uncertain Significance.

NM_024664.4(PPCS):c.1A>C (p.Met1Leu)

Genes: CCDC30 (coiled-coil domain containing 30; plus strand), PPCS (phosphopantothenoylcysteine synthetase; plus strand). Cytogenetic location: 1p34.2.
Variant type: single nucleotide variant.
Coding change: c.1A>C on transcript NM_024664.4 (MANE Select); coding-DNA position 1, A replaced by C.
Protein change: p.Met1Leu; changes the start codon (methionine 1).
Molecular consequence: missense variant, initiator codon variant. On other transcripts: 5 prime UTR variant (4), intron variant (3).
Genome position (GRCh38, 1-based): chr1:42,456,566, A>C. VCF-style: chr1-42456566-A-C. GRCh37 (hg19) VCF-style: chr1-42922237-A-C.
Other names: c.-74A>C (NM_001077447.3); c.-170A>C (NM_001287508.2); c.-29A>C (NM_001287509.2); c.-692A>C (NM_001287510.2); c.1A>C, p.Met1Leu (NM_001287511.2); c.-984+67A>C (NM_001355226.2); c.-328+67A>C (NM_001287507.1); c.-12+67A>C (NM_001287506.1); short protein forms M1L.
Identifiers: ClinVar variation 2183501 (VCV002183501.2), dbSNP rs765428843, ClinGen allele CA799875.
Genomic context (GRCh38, chr1:42,456,566, plus strand): 5'-GAGAAGGGGCGTGGCGCGGCGGCCGCGAAACGTGCGCAGGCGCCGGCCGCTGCGCTGCAG[A>C]TGGCGGAAATGGATCCGGTAGCCGAGTTCCCCCAGCCTCCCGGTGCTGCGCGCTGGGCTG-3'
Protein context (NP_078940.2, residues 1-11): [Met1Leu]AEMDPVAEFP